The following is an entry in ClinVar:

NM_206933.4(USH2A):c.12877G>A (p.Gly4293Ser)

Gene: USH2A (usherin; minus strand). Cytogenetic location: 1q41.
Variant type: single nucleotide variant.
Coding change: c.12877G>A on transcript NM_206933.4 (MANE Select); coding-DNA position 12877, G replaced by A.
Protein change: p.Gly4293Ser; replaces glycine 4293 with serine.
Molecular consequence: missense variant.
Genome position (GRCh38, 1-based): chr1:215,675,034, C>T on the plus strand (G>A on the coding strand, the complement: USH2A is on the minus strand). VCF-style: chr1-215675034-C-T. GRCh37 (hg19) VCF-style: chr1-215848376-C-T.
Other names: short protein forms G4293S.
Identifiers: ClinVar variation 179774 (VCV000179774.11), dbSNP rs727505117, ClinGen allele CA185107.

ClinVar aggregate classification (germline): Uncertain significance. Review status: criteria provided, multiple submitters, no conflicts (2 of 4 stars). 6 submissions from 5 submitters: Uncertain significance (5). 1 of the submissions does not count toward it. Last evaluated 2025-11-13.

Conditions:
Retinitis pigmentosa 39 (RP39). Identifiers: Orphanet 791, MedGen C3151138, MONDO:0013436, OMIM 613809.
Usher syndrome type 2A. Also called: RETINAL DISEASE IN USHER SYNDROME TYPE IIA, MODIFIER OF; USHER SYNDROME, TYPE IIA. Identifiers: Orphanet 231178, Orphanet 886, MedGen C1848634, MONDO:0010169, OMIM 276901.

Allele frequency attached by ClinVar (database versions not stated): gnomAD exomes below 0.00001.
gnomAD v4.1: 1 of 1,614,116 alleles (0.000062%); highest among the groups gnomAD compares: South Asian, 0.0011%; no homozygotes.

Submissions (6):

Women's Health and Genetics/Laboratory Corporation of America, LabCorp
Classification: Uncertain significance. Last evaluated: 2025-11-13. Review status: criteria provided, single submitter. Criteria: LabCorp Variant Classification Summary - May 2015. Collection method: clinical testing. Allele origin: germline.
Comment: Variant summary: USH2A c.12877G>A (p.Gly4293Ser) results in a non-conservative amino acid change in the encoded protein sequence. Algorithms developed to predict the effect of missense changes on protein structure and function are either unavailable or do not agree on the potential impact of this missense change. The variant was absent in 251114 control chromosomes. The available data on variant occurrences in the general population are insufficient to allow any conclusion about variant significance. c.12877G>A has been observed in individual(s) affected with Retinitis Pigmentosa (Lenassi_2015). These data do not allow any conclusion about variant significance. To our knowledge, no experimental evidence demonstrating an impact on protein function has been reported. The following publication has been ascertained in the context of this evaluation (PMID: 25649381). ClinVar contains an entry for this variant (Variation ID: 179774). Based on the evidence outlined above, the variant was classified as uncertain significance.

Labcorp Genetics (formerly Invitae), Labcorp
Classification: Uncertain significance. Last evaluated: 2024-03-16. Review status: criteria provided, single submitter. Criteria: Invitae Variant Classification Sherloc (09022015). Collection method: clinical testing. Allele origin: germline.
Comment: This sequence change replaces glycine, which is neutral and non-polar, with serine, which is neutral and polar, at codon 4293 of the USH2A protein (p.Gly4293Ser). This variant is not present in population databases (gnomAD no frequency). This missense change has been observed in individuals with retinitis pigmentosa (PMID: 25649381). ClinVar contains an entry for this variant (Variation ID: 179774). Advanced modeling of protein sequence and biophysical properties (such as structural, functional, and spatial information, amino acid conservation, physicochemical variation, residue mobility, and thermodynamic stability) has been performed at Invitae for this missense variant, however the output from this modeling did not meet the statistical confidence thresholds required to predict the impact of this variant on USH2A protein function. In summary, the available evidence is currently insufficient to determine the role of this variant in disease. Therefore, it has been classified as a Variant of Uncertain Significance.

Genome-Nilou Lab
Classification: Uncertain significance for Retinitis pigmentosa 39. Last evaluated: 2023-11-04. Review status: criteria provided, single submitter. Criteria: ACMG Guidelines, 2015. Collection method: clinical testing. Allele origin: germline. Affected: no.

Genome-Nilou Lab
Classification: Uncertain significance for Usher syndrome type 2A. Last evaluated: 2023-11-04. Review status: criteria provided, single submitter. Criteria: ACMG Guidelines, 2015. Collection method: clinical testing. Allele origin: germline. Affected: no.

Laboratory for Molecular Medicine, Mass General Brigham Personalized Medicine
Classification: Uncertain significance. Last evaluated: 2014-08-08. Review status: criteria provided, single submitter. Criteria: LMM Criteria. Collection method: clinical testing. Allele origin: germline. Observed: 1 variant allele.
Comment: The Gly4293Ser variant in USH2A has not been previously reported in individuals with hearing loss, and was absent from large population studies. Computational p rediction tools and conservation analyses suggest that the Gly4293Ser variant ma y impact the protein, though this information is not predictive enough to determ ine pathogenicity. In summary, the clinical significance of the Gly4293Ser varia nt is uncertain.

Counsyl
Classification: Uncertain significance for Usher syndrome type 2A; Retinitis pigmentosa 39. Last evaluated: 2017-12-14. Review status: no assertion criteria provided. Collection method: clinical testing. Allele origin: unknown. Not counted in ClinVar's aggregate classification.

Literature cited by the submitters: PubMed 25649381 (cited by 3 submitters).